The following is an entry in ClinVar:

NM_006363.6(SEC23B):c.1241G>C (p.Arg414Pro)

Gene: SEC23B (SEC23 homolog B, COPII component; plus strand). Cytogenetic location: 20p11.23.
Variant type: single nucleotide variant.
Coding change: c.1241G>C on transcript NM_006363.6 (MANE Select); coding-DNA position 1241, G replaced by C.
Protein change: p.Arg414Pro; replaces arginine 414 with proline.
Molecular consequence: missense variant.
Genome position (GRCh38, 1-based): chr20:18,532,671, G>C. VCF-style: chr20-18532671-G-C. GRCh37 (hg19) VCF-style: chr20-18513315-G-C.
Other names: c.1241G>C, p.Arg414Pro (NM_001172745.3, NM_032985.6, NM_032986.5); c.1187G>C, p.Arg396Pro (NM_001172746.3); short protein forms R396P, R414P.
Identifiers: ClinVar variation 4793112 (VCV004793112.1).

ClinVar aggregate classification (germline): Uncertain significance (1 of 4 stars; one submission).

Conditions:
Congenital dyserythropoietic anemia, type II (CDAN2). Also called: DYSERYTHROPOIETIC ANEMIA, HEMPAS TYPE. Identifiers: Orphanet 98873, MedGen C1306589, MONDO:0009134, OMIM 224100.
Cowden syndrome 7 (CWS7). Identifiers: Orphanet 201, MedGen C4225179, MONDO:0014802, OMIM 616858.

Submission:

Labcorp Genetics (formerly Invitae), Labcorp
Classification: Uncertain significance for Congenital dyserythropoietic anemia, type II; Cowden syndrome 7. Last evaluated: 2025-06-11. Review status: criteria provided, single submitter. Criteria: Invitae Variant Classification Sherloc (09022015). Collection method: clinical testing. Allele origin: germline.
Comment: This sequence change replaces arginine, which is basic and polar, with proline, which is neutral and non-polar, at codon 414 of the SEC23B protein (p.Arg414Pro). This variant is not present in population databases (gnomAD no frequency). This variant has not been reported in the literature in individuals affected with SEC23B-related conditions. Invitae Evidence Modeling of protein sequence and biophysical properties (such as structural, functional, and spatial information, amino acid conservation, physicochemical variation, residue mobility, and thermodynamic stability) indicates that this missense variant is not expected to disrupt SEC23B protein function with a negative predictive value of 95%. In summary, the available evidence is currently insufficient to determine the role of this variant in disease. Therefore, it has been classified as a Variant of Uncertain Significance.